The following is an entry in ClinVar:

ClinVar aggregate classification (germline): Likely pathogenic (1 of 4 stars; one submission).

Submission:

GeneDx
Classification: Likely pathogenic. Last evaluated: 2022-08-30. Review status: criteria provided, single submitter. Criteria: GeneDx Variant Classification Process June 2021. Collection method: clinical testing. Allele origin: germline. Affected: yes.
Comment: Not observed at significant frequency in large population cohorts (gnomAD); In silico analysis supports that this missense variant has a deleterious effect on protein structure/function; Has not been previously published as pathogenic or benign to our knowledge; This variant is associated with the following publications: (PMID: 14633923)

NM_020975.6(RET):c.2837C>T (p.Thr946Ile)

Gene: RET (ret proto-oncogene; plus strand). Cytogenetic location: 10q11.21.
Variant type: single nucleotide variant.
Coding change: c.2837C>T on transcript NM_020975.6 (MANE Select); coding-DNA position 2837, C replaced by T.
Protein change: p.Thr946Ile; replaces threonine 946 with isoleucine.
Molecular consequence: missense variant.
Genome position (GRCh38, 1-based): chr10:43,123,706, C>T. VCF-style: chr10-43123706-C-T. GRCh37 (hg19) VCF-style: chr10-43619154-C-T.
Other names: p.T946I:ACC>ATC; c.2837C>T, p.Thr946Ile (NM_000323.2, NM_001406743.1, NM_001406744.1 and 4 more transcripts); c.2075C>T, p.Thr692Ile (NM_001355216.2); c.2708C>T, p.Thr903Ile (NM_001406761.1, NM_001406762.1, NM_001406764.1); c.2702C>T, p.Thr901Ile (NM_001406763.1, NM_001406765.1); c.2549C>T, p.Thr850Ile (NM_001406766.1, NM_001406767.1, NM_001406770.1); c.2573C>T, p.Thr858Ile (NM_001406768.1); c.2441C>T, p.Thr814Ile (NM_001406769.1, NM_001406772.1); and 11 more; short protein forms T946I, T692I, T551I, T607I, T800I, T901I, T602I, T616I.
Identifiers: ClinVar variation 201133 (VCV000201133.6), dbSNP rs794728687, ClinGen allele CA009107.